The following is an entry in ClinVar:

NM_080386.4(TUBA3D):c.569C>T (p.Thr190Ile)

Genes: MZT2A (mitotic spindle organizing protein 2A; minus strand), TUBA3D (tubulin alpha 3d; plus strand). Cytogenetic location: 2q21.1.
Variant type: single nucleotide variant.
Coding change: c.569C>T on transcript NM_080386.4 (MANE Select); coding-DNA position 569, C replaced by T.
Protein change: p.Thr190Ile; replaces threonine 190 with isoleucine.
Molecular consequence: missense variant.
Genome position (GRCh38, 1-based): chr2:131,480,262, C>T. VCF-style: chr2-131480262-C-T. GRCh37 (hg19) VCF-style: chr2-132237835-C-T.
Other names: short protein forms T190I.
Identifiers: ClinVar variation 4280954 (VCV004280954.7).
Genomic context (GRCh38, chr2:131,480,262, plus strand): 5'-CCATTTACCCAGCCCCCCAGGTCTCCACAGCCGTGGTGGAGCCCTACAACTCCATCCTGA[C>T]CACCCACACGACCCTGGAACATTCTGACTGTGCCTTCATGGTCGACAATGAAGCCATCTA-3'
Protein context (NP_525125.2, residues 180-200): AVVEPYNSIL[Thr190Ile]THTTLEHSDC

ClinVar aggregate classification (germline): Likely benign (1 of 4 stars; one submission).

Submission:

CeGaT Center for Human Genetics Tuebingen
Classification: Likely benign. Last evaluated: 2025-09-01. Review status: criteria provided, single submitter. Criteria: CeGaT Center For Human Genetics Tuebingen Variant Classification Criteria Version 2. Collection method: clinical testing. Allele origin: germline. Affected: yes. Observed: 1 variant allele.
Comment: TUBA3D: PP2, PP3, BS2